The following is an entry in ClinVar:

ClinVar aggregate classification (germline): Pathogenic/Likely pathogenic. Review status: criteria provided, multiple submitters, no conflicts (2 of 4 stars). 5 submissions from 5 submitters: Pathogenic (3); Likely pathogenic (2). Last evaluated 2025-07-27.

Conditions:
Neuromuscular disease caused by qualitative or quantitative defects of dysferlin. Also called: Dysferlinopathy; Qualitative or quantitative defects of dysferlin. Identifiers: Orphanet 207073, MedGen C2931687, MONDO:0016145.
Miyoshi muscular dystrophy 1 (MMD1). Identifiers: Orphanet 45448, MedGen C4551973, MONDO:0024545, OMIM 254130.
Autosomal recessive limb-girdle muscular dystrophy type 2B (LGMDR2). Also called: MUSCULAR DYSTROPHY, LIMB-GIRDLE, TYPE 3; Limb-Girdle Muscular Dystrophy Type 2B (LGMD2B); Limb-girdle muscular dystrophy, type 2B; MUSCULAR DYSTROPHY, LIMB-GIRDLE, AUTOSOMAL RECESSIVE 2. Identifiers: Orphanet 268, MedGen C1850889, MONDO:0009676, OMIM 253601.

Submissions (5):

Labcorp Genetics (formerly Invitae), Labcorp
Classification: Pathogenic for Neuromuscular disease caused by qualitative or quantitative defects of dysferlin. Last evaluated: 2025-07-27. Review status: criteria provided, single submitter. Criteria: Invitae Variant Classification Sherloc (09022015). Collection method: clinical testing. Allele origin: germline.
Comment: This sequence change creates a premature translational stop signal (p.Pro136Leufs*15) in the DYSF gene. It is expected to result in an absent or disrupted protein product. Loss-of-function variants in DYSF are known to be pathogenic (PMID: 17698709, 20301480). This variant is not present in population databases (gnomAD no frequency). This variant has not been reported in the literature in individuals affected with DYSF-related conditions. ClinVar contains an entry for this variant (Variation ID: 286226). For these reasons, this variant has been classified as Pathogenic.

Natera, Inc.
Classification: Likely pathogenic for Limb-girdle muscular dystrophy type 2B. Last evaluated: 2025-03-05. Review status: criteria provided, single submitter. Criteria: Natera Variant Classification Schema (03/2026). Collection method: clinical testing. Allele origin: germline.
Comment: The c.407delC variant in DYSF is a frameshift variant predicted to shift the reading frame beginning at codon 136 and leads to a stop codon 15 codons downstream. This variant is expected to result in nonsense mediated decay, truncation, or a dysfunctional protein product. This variant is rare in the general population with a frequency below the threshold expected for the associated phenotype(s). Given the available evidence, this variant is classified as Likely Pathogenic.

Baylor Genetics
Classification: Likely pathogenic for Miyoshi muscular dystrophy 1. Last evaluated: 2023-03-25. Review status: criteria provided, single submitter. Criteria: ACMG Guidelines, 2015. Collection method: clinical testing. Allele origin: unknown.

Revvity Omics, Revvity
Classification: Pathogenic. Last evaluated: 2019-03-17. Review status: criteria provided, single submitter. Criteria: ACMG Guidelines, 2015. Collection method: clinical testing. Allele origin: germline.

Eurofins Ntd Llc (ga)
Classification: Pathogenic. Last evaluated: 2018-08-17. Review status: criteria provided, single submitter. Criteria: EGL ClinVar v180209 classification definitions. Collection method: clinical testing. Allele origin: germline. Observed: 2 variant alleles, 2 heterozygotes.

Literature cited by the submitters: PubMed 17698709 (cited by Labcorp Genetics (formerly Invitae), Labcorp); PubMed 20301480 (cited by Labcorp Genetics (formerly Invitae), Labcorp).

NM_001130987.2(DYSF):c.410del (p.Pro137fs)

Gene: DYSF (dysferlin; plus strand). Cytogenetic location: 2p13.2.
Variant type: Deletion.
Coding change: c.410del on transcript NM_001130987.2 (MANE Select); coding-DNA position 410, one base deleted (C; older notation c.410delC).
Protein change: p.Pro137fs; shifts the reading frame from proline 137.
Molecular consequence: frameshift variant.
Genome position (GRCh38, 1-based): chr2:71,511,871, C deleted; the last of 5 consecutive C bases (chr2:71,511,867-71,511,871); deleting any one gives the same sequence. VCF-style (leftmost placement, unchanged base first): chr2-71511866-GC-G. GRCh37 (hg19) VCF-style: chr2-71738996-GC-G.
Other names: c.410del, p.Pro137fs (NM_001130455.2, NM_001130982.2, NM_001130983.2 and 3 more transcripts); c.407del, p.Pro136fs (NM_001130976.2, NM_001130977.2, NM_001130978.2 and 4 more transcripts); short protein forms P136fs, P137fs.
Identifiers: ClinVar variation 286226 (VCV000286226.21), dbSNP rs886043342, ClinGen allele CA10605403.
Genomic context (GRCh38, chr2:71,511,866, plus strand): 5'-GGCCTCGCTGGTCCTGCAGGTGTCCTACACACCGCTGCCTGGAGCTGTGCCCCTGTTCCC[GC>G]CCCCTACTCCTCTGGAGCCCTCCCCGACTCTGCCTGACCTGGATGTAGTGGCAGGTGGGT-3'